The following is an entry in ClinVar:

NM_144969.3(ZDHHC15):c.286C>A (p.Arg96Ser)

Gene: ZDHHC15 (zinc finger DHHC-type palmitoyltransferase 15; minus strand). Cytogenetic location: Xq13.3.
Variant type: single nucleotide variant.
Coding change: c.286C>A on transcript NM_144969.3 (MANE Select); coding-DNA position 286, C replaced by A.
Protein change: p.Arg96Ser; replaces arginine 96 with serine.
Molecular consequence: missense variant.
Genome position (GRCh38, 1-based): chrX:75,450,895, G>T on the plus strand (C>A on the coding strand, the complement: ZDHHC15 is on the minus strand). VCF-style: chrX-75450895-G-T. GRCh37 (hg19) VCF-style: chrX-74670730-G-T.
Other names: c.259C>A, p.Arg87Ser (NM_001146256.2, NM_001146257.2); short protein forms R87S, R96S.
Identifiers: ClinVar variation 3354327 (VCV003354327.1).

ClinVar aggregate classification (germline): Uncertain significance (0 of 4 stars; one submission).

Conditions:
ZDHHC15-related condition.

Submission:

PreventionGenetics, part of Exact Sciences
Classification: Uncertain significance for ZDHHC15-related condition. Last evaluated: 2024-08-26. Review status: no assertion criteria provided. Collection method: clinical testing. Allele origin: germline.
Comment: The ZDHHC15 c.286C>A variant is predicted to result in the amino acid substitution p.Arg96Ser. To our knowledge, this variant has not been reported in the literature or in a large population database, indicating this variant is rare. At this time, the clinical significance of this variant is uncertain due to the absence of conclusive functional and genetic evidence.